The following is an entry in ClinVar:

ClinVar aggregate classification (germline): Uncertain significance (1 of 4 stars; one submission).

Submission:

Labcorp Genetics (formerly Invitae), Labcorp
Classification: Uncertain significance. Last evaluated: 2023-09-22. Review status: criteria provided, single submitter. Criteria: Invitae Variant Classification Sherloc (09022015). Collection method: clinical testing. Allele origin: germline.
Comment: This variant is not present in population databases (gnomAD no frequency). In summary, the available evidence is currently insufficient to determine the role of this variant in disease. Therefore, it has been classified as a Variant of Uncertain Significance. An algorithm developed to predict the effect of missense changes on protein structure and function (PolyPhen-2) suggests that this variant is likely to be disruptive. This variant has not been reported in the literature in individuals affected with PACS2-related conditions. This sequence change replaces valine, which is neutral and non-polar, with alanine, which is neutral and non-polar, at codon 828 of the PACS2 protein (p.Val828Ala).

NM_001100913.3(PACS2):c.2483T>C (p.Val828Ala)

Gene: PACS2 (phosphofurin acidic cluster sorting protein 2; plus strand). Cytogenetic location: 14q32.33.
Variant type: single nucleotide variant.
Coding change: c.2483T>C on transcript NM_001100913.3 (MANE Select); coding-DNA position 2483, T replaced by C.
Protein change: p.Val828Ala; replaces valine 828 with alanine.
Molecular consequence: missense variant.
Genome position (GRCh38, 1-based): chr14:105,393,222, T>C. VCF-style: chr14-105393222-T-C. GRCh37 (hg19) VCF-style: chr14-105859559-T-C.
Other names: c.2213T>C, p.Val738Ala (NM_001243127.3); c.2438T>C, p.Val813Ala (NM_015197.4); short protein forms V738A, V813A, V828A.
Identifiers: ClinVar variation 2965813 (VCV002965813.3), dbSNP rs2081422130, ClinGen allele CA391189081.